The following is an entry in ClinVar:

NM_001007544.4(RHEX):c.139G>A (p.Ala47Thr)

Gene: RHEX (regulator of hemoglobinization and erythroid cell expansion; plus strand). Cytogenetic location: 1q32.1.
Variant type: single nucleotide variant.
Coding change: c.139G>A on transcript NM_001007544.4 (MANE Select); coding-DNA position 139, G replaced by A.
Protein change: p.Ala47Thr; replaces alanine 47 with threonine.
Molecular consequence: missense variant.
Genome position (GRCh38, 1-based): chr1:206,099,681, G>A. VCF-style: chr1-206099681-G-A. GRCh37 (hg19) VCF-style: chr1-206241650-C-T.
Other names: c.139G>A, p.Ala47Thr (NM_001369490.1); short protein forms A47T.
Identifiers: ClinVar variation 3042712 (VCV003042712.2), dbSNP rs115353955, ClinGen allele CA1359676.

ClinVar aggregate classification (germline): Benign (0 of 4 stars; one submission).

Conditions:
RHEX-related disorder. Also called: RHEX-related condition.

Allele frequency attached by ClinVar (database versions not stated): gnomAD exomes 0.00105; ExAC 0.00367; gnomAD 0.01107; TOPMed 0.01201; ESP Exome Variant Server 0.01215; 1000 Genomes Project 0.01258; 1000 Genomes Project 30x 0.01374.
gnomAD v4.1: 3,273 of 1,614,080 alleles (0.2%); highest among the groups gnomAD compares: African/African-American, 3.8%; 63 homozygotes.

Submission:

PreventionGenetics, part of Exact Sciences
Classification: Benign for RHEX-related condition. Last evaluated: 2019-06-21. Review status: no assertion criteria provided. Collection method: clinical testing. Allele origin: germline.
Comment: This variant is classified as benign based on ACMG/AMP sequence variant interpretation guidelines (Richards et al. 2015 PMID: 25741868, with internal and published modifications).